The following is an entry in ClinVar:

NM_006939.4(SOS2):c.142A>G (p.Ile48Val)

Gene: SOS2 (SOS Ras/Rho guanine nucleotide exchange factor 2; minus strand). Cytogenetic location: 14q21.3.
Variant type: single nucleotide variant.
Coding change: c.142A>G on transcript NM_006939.4 (MANE Select); coding-DNA position 142, A replaced by G.
Protein change: p.Ile48Val; replaces isoleucine 48 with valine.
Molecular consequence: missense variant.
Genome position (GRCh38, 1-based): chr14:50,204,355, T>C on the plus strand (A>G on the coding strand, the complement: SOS2 is on the minus strand). VCF-style: chr14-50204355-T-C. GRCh37 (hg19) VCF-style: chr14-50671073-T-C.
Other names: c.142A>G (NM_006939.3); short protein forms I48V.
Identifiers: ClinVar variation 280896 (VCV000280896.5), dbSNP rs763552267, ClinGen allele CA7177602.

ClinVar aggregate classification (germline): Conflicting classifications of pathogenicity. Review status: criteria provided, conflicting classifications (1 of 4 stars). 3 submissions from 3 submitters: Uncertain significance (2); Likely benign (1). Last evaluated 2024-11-04.

Conditions:
SOS2-related disorder. Also called: SOS2-related condition.
Noonan syndrome 9 (NS9). Identifiers: Orphanet 648, MedGen C4225282, MONDO:0014691, OMIM 616559.

Allele frequency attached by ClinVar (database versions not stated): gnomAD exomes below 0.00001 and 0.00001; ExAC 0.00001; TOPMed 0.00002.
gnomAD v4.1: 1 of 1,590,694 alleles (0.000063%); highest among the groups gnomAD compares: East Asian, 0.0022%; no homozygotes.

Submissions (3):

Labcorp Genetics (formerly Invitae), Labcorp
Classification: Likely benign for Noonan syndrome 9. Last evaluated: 2024-11-04. Review status: criteria provided, single submitter. Criteria: Invitae Variant Classification Sherloc (09022015). Collection method: clinical testing. Allele origin: germline.

PreventionGenetics, part of Exact Sciences
Classification: Uncertain significance for SOS2-related condition. Last evaluated: 2023-04-20. Review status: criteria provided, single submitter. Criteria: ACMG Guidelines, 2015. Collection method: clinical testing. Allele origin: germline.
Comment: The SOS2 c.142A>G variant is predicted to result in the amino acid substitution p.Ile48Val. To our knowledge, this variant has not been reported in the literature. This variant is reported in 0.011% of alleles in individuals of East Asian descent in gnomAD. At this time, the clinical significance of this variant is uncertain due to the absence of conclusive functional and genetic evidence.

GeneDx
Classification: Uncertain significance. Last evaluated: 2016-09-28. Review status: criteria provided, single submitter. Criteria: GeneDx Variant Classification (06012015). Collection method: clinical testing. Allele origin: germline. Affected: yes.
Comment: The I48V variant has not been published as a pathogenic variant, nor has it been reported as a benign variant to our knowledge. The I48V variant was not observed in approximately 6,500 individuals of European and African American ancestry in the NHLBI Exome Sequencing Project, indicating it is not a common benign variant in these populations. The I48V variant is a conservative amino acid substitution, which is not likely to impact secondary protein structure as these residues share similar properties. This substitution occurs at a position where amino acids with similar properties to Isoleucine are tolerated across species. In silico analysis predicts this variant likely does not alter the protein structure/function. Therefore, based on the currently available information, it is unclear whether this variant is a pathogenic variant or a rare benign variant.